The following is an entry in ClinVar:

ClinVar aggregate classification (germline): Benign. Review status: criteria provided, multiple submitters, no conflicts (2 of 4 stars). 3 submissions from 3 submitters: Benign (3). Last evaluated 2018-11-10.

Conditions:
Renal hypomagnesemia 5 with ocular involvement. Also called: FHHNC WITH SEVERE OCULAR INVOLVEMENT; HYPOMAGNESEMIA, FAMILIAL, WITH HYPERCALCIURIA, NEPHROCALCINOSIS, AND SEVERE OCULAR INVOLVEMENT; MACULAR COLOBOMA, BILATERAL, WITH HYPERCALCIURIA; HYPOMAGNESEMIA 5, RENAL, WITH OR WITHOUT OCULAR INVOLVEMENT. Identifiers: Orphanet 2196, MedGen C4721891, MONDO:0009548, OMIM 248190.

Allele frequency attached by ClinVar (database versions not stated): gnomAD 0.58023 and 0.58416; TOPMed 0.58395; gnomAD exomes 0.60093; 1000 Genomes Project 30x 0.60493; 1000 Genomes Project 0.60683.
gnomAD v4.1: 332,857 of 558,308 alleles (60%); highest among the groups gnomAD compares: South Asian, 66%; 100,094 homozygotes.

Submissions (3):

GeneDx
Classification: Benign. Last evaluated: 2018-11-10. Review status: criteria provided, single submitter. Criteria: GeneDx Variant Classification Process June 2021. Collection method: clinical testing. Allele origin: germline. Affected: yes.

Illumina Laboratory Services, Illumina
Classification: Benign for Renal hypomagnesemia 5 with ocular involvement. Last evaluated: 2018-01-13. Review status: criteria provided, single submitter. Criteria: ICSL Variant Classification Criteria 13 December 2019. Collection method: clinical testing. Allele origin: germline.
Comment: This variant was observed in the ICSL laboratory as part of a predisposition screen in an ostensibly healthy population. It had not been previously curated by ICSL or reported in the Human Gene Mutation Database (HGMD: prior to June 1st, 2018), and was therefore a candidate for classification through an automated scoring system. Utilizing variant allele frequency, disease prevalence and penetrance estimates, and inheritance mode, an automated score was calculated to assess if this variant is too frequent to cause the disease. Based on the score and internal cut-off values, a variant classified as benign is not then subjected to further curation. The score for this variant resulted in a classification of benign for this disease.

Breakthrough Genomics
Classification: Benign. Review status: criteria provided, single submitter. Criteria: ACMG Guidelines, 2015. Collection method: not provided. Allele origin: germline. Inheritance: Autosomal recessive inheritance. Affected: yes.

NM_148960.3(CLDN19):c.*231A>G

Gene: CLDN19 (claudin 19; minus strand). Cytogenetic location: 1p34.2.
Variant type: single nucleotide variant.
Coding change: c.*231A>G on transcript NM_148960.3 (MANE Select); 231 bases downstream of the stop codon, A replaced by G.
Molecular consequence: 3 prime UTR variant.
Genome position (GRCh38, 1-based): chr1:42,734,855, T>C on the plus strand (A>G on the coding strand, the complement: CLDN19 is on the minus strand). VCF-style: chr1-42734855-T-C. GRCh37 (hg19) VCF-style: chr1-43200526-T-C.
Other names: c.*1013A>G (NM_001123395.2); c.*907A>G (NM_001185117.2).
Identifiers: ClinVar variation 297335 (VCV000297335.7), dbSNP rs912075, ClinGen allele CA10609942.
Genomic context (GRCh38, chr1:42,734,855, plus strand): 5'-GGCCAGGCTTGGGAGGGGGGTCCCTAGACAGAGGGTAGGACCTCTGAATTATTTCTTGCT[T>C]AGCCCTGGATGTGCTATGTAACCCACCCTGGACCTCTGTCTCCTCATCTTTCTGCCCAAG-3'